The following is an entry in ClinVar:

ClinVar aggregate classification (germline): Uncertain significance (1 of 4 stars; one submission).

Submission:

Labcorp Genetics (formerly Invitae), Labcorp
Classification: Uncertain significance. Last evaluated: 2024-04-11. Review status: criteria provided, single submitter. Criteria: Invitae Variant Classification Sherloc (09022015). Collection method: clinical testing. Allele origin: germline.
Comment: This sequence change replaces glycine, which is neutral and non-polar, with glutamic acid, which is acidic and polar, at codon 102 of the NIN protein (p.Gly102Glu). This variant is not present in population databases (gnomAD no frequency). This variant has not been reported in the literature in individuals affected with NIN-related conditions. An algorithm developed to predict the effect of missense changes on protein structure and function (PolyPhen-2) suggests that this variant is likely to be disruptive. In summary, the available evidence is currently insufficient to determine the role of this variant in disease. Therefore, it has been classified as a Variant of Uncertain Significance.

NM_020921.4(NIN):c.305G>A (p.Gly102Glu)

Gene: NIN (ninein; minus strand). Cytogenetic location: 14q22.1.
Variant type: single nucleotide variant.
Coding change: c.305G>A on transcript NM_020921.4 (MANE Select); coding-DNA position 305, G replaced by A.
Protein change: p.Gly102Glu; replaces glycine 102 with glutamic acid.
Molecular consequence: missense variant.
Genome position (GRCh38, 1-based): chr14:50,792,842, C>T on the plus strand (G>A on the coding strand, the complement: NIN is on the minus strand). VCF-style: chr14-50792842-C-T. GRCh37 (hg19) VCF-style: chr14-51259560-C-T.
Other names: c.305G>A, p.Gly102Glu (NM_016350.5, NM_182944.3, NM_182946.2); short protein forms G102E.
Identifiers: ClinVar variation 2739622 (VCV002739622.3), dbSNP rs2502679136, ClinGen allele CA389674550.
Genomic context (GRCh38, chr14:50,792,842, plus strand): 5'-TCAGGAAACTCCTCCACGGACTCTTGGAACTCGGGCAAGGACCTTCGTCCGTAACGCTTC[C>T]CACCTCTAACATATTTGGGCTGAGCTTCTAGTGAGCAGTCTGAGAGAGGAGACAAGAGTT-3'
Protein context (NP_065972.4, residues 92-112): LEAQPKYVRG[Gly102Glu]KRYGRRSLPE